The following is an entry in ClinVar:

NM_002878.4(RAD51D):c.766del (p.Asp256fs)

Genes: RAD51L3-RFFL (RAD51L3-RFFL readthrough; minus strand), RAD51D (RAD51 paralog D; minus strand). Cytogenetic location: 17q12.
Variant type: Deletion.
Coding change: c.766del on transcript NM_002878.4 (MANE Select); coding-DNA position 766, one base deleted (G; older notation c.766delG).
Protein change: p.Asp256fs; shifts the reading frame from aspartic acid 256.
Molecular consequence: frameshift variant. On other transcripts: non-coding transcript variant (3).
Genome position (GRCh38, 1-based): chr17:35,101,338, C deleted on the plus strand (G on the coding strand, the reverse complement: RAD51D is on the minus strand); the first of 3 consecutive C bases (chr17:35,101,338-35,101,340); deleting any one gives the same sequence. VCF-style (leftmost placement, unchanged base first): chr17-35101337-TC-T. GRCh37 (hg19) VCF-style: chr17-33428356-TC-T.
Other names: c.826del, p.Asp276fs (NM_001142571.2); c.430del, p.Asp144fs (NM_133629.3); c.766delG (NM_002878.3); short protein forms D144fs, D256fs, D276fs.
Identifiers: ClinVar variation 664683 (VCV000664683.8), dbSNP rs1597856162, ClinGen allele CA915949974.

ClinVar aggregate classification (germline): Likely pathogenic. Review status: criteria provided, multiple submitters, no conflicts (2 of 4 stars). 2 submissions from 2 submitters: Likely pathogenic (2). Last evaluated 2023-11-30.

Conditions:
Breast-ovarian cancer, familial, susceptibility to, 4. Identifiers: Orphanet 145, MedGen C3280345, MONDO:0013669, OMIM 614291.

Submissions (2):

Myriad Genetics, Inc.
Classification: Likely pathogenic for Breast-ovarian cancer, familial, susceptibility to, 4. Last evaluated: 2023-11-30. Review status: criteria provided, single submitter. Criteria: Myriad Autosomal Dominant, Autosomal Recessive and X-Linked Classification Criteria (2023). Collection method: clinical testing. Allele origin: unknown.
Comment: This variant is considered likely pathogenic. This variant creates a frameshift predicted to result in premature protein truncation.

Labcorp Genetics (formerly Invitae), Labcorp
Classification: Likely pathogenic for Breast-ovarian cancer, familial, susceptibility to, 4. Last evaluated: 2018-11-06. Review status: criteria provided, single submitter. Criteria: Invitae Variant Classification Sherloc (09022015). Collection method: clinical testing. Allele origin: germline.
Comment: In summary, the currently available evidence indicates that the variant is pathogenic, but additional data are needed to prove that conclusively. Therefore, this variant has been classified as Likely Pathogenic. This variant is expected to disrupt amino acid residues Asp256-Thr328 of the RAD51D protein, thereby removing the C-terminus of the ATPase domain (PMID: 14704354, 19327148, 21111057). Although functional studies have not been done for this particular variant, experimental studies using yeast two-hybrid analysis have shown that the region of the RAD51D protein necessary for RAD51C complexing localizes to the last ~100 amino acids (PMID: 10749867, 14704354, 19327148). The data indicates that this variant likely disrupts this important RAD51D-RAD51C interaction. This variant has not been reported in the literature in individuals with RAD51D-related disease. This variant is not present in population databases (ExAC no frequency). This sequence change results in a premature translational stop signal in the RAD51D gene (p.Asp256Thrfs*54). While this is not anticipated to result in nonsense mediated decay, it is expected to disrupt the last 73 amino acids of the RAD51D protein.

Literature cited by the submitters: PubMed 14704354 (cited by Labcorp Genetics (formerly Invitae), Labcorp); PubMed 19327148 (cited by Labcorp Genetics (formerly Invitae), Labcorp); PubMed 21111057 (cited by Labcorp Genetics (formerly Invitae), Labcorp); PubMed 10749867 (cited by Labcorp Genetics (formerly Invitae), Labcorp).